The following is an entry in ClinVar:

NM_000063.6(C2):c.865A>G (p.Ile289Val)

Genes: C2 (complement C2; plus strand), C2-AS1 (C2 antisense RNA 1; minus strand). Cytogenetic location: 6p21.33.
Variant type: single nucleotide variant.
Coding change: c.865A>G on transcript NM_000063.6 (MANE Select); coding-DNA position 865, A replaced by G.
Protein change: p.Ile289Val; replaces isoleucine 289 with valine.
Molecular consequence: missense variant. On other transcripts: intron variant (1).
Genome position (GRCh38, 1-based): chr6:31,935,938, A>G. VCF-style: chr6-31935938-A-G. GRCh37 (hg19) VCF-style: chr6-31903715-A-G.
Other names: c.469A>G, p.Ile157Val (NM_001145903.3); c.127A>G, p.Ile43Val (NM_001282457.2); c.778A>G, p.Ile260Val (NM_001282458.2); c.347-1381A>G (NM_001178063.3); short protein forms I157V, I289V, I43V, I260V.
Identifiers: ClinVar variation 3673689 (VCV003673689.2).

ClinVar aggregate classification (germline): Uncertain significance (1 of 4 stars; one submission).

Submission:

Labcorp Genetics (formerly Invitae), Labcorp
Classification: Uncertain significance. Last evaluated: 2024-03-16. Review status: criteria provided, single submitter. Criteria: Invitae Variant Classification Sherloc (09022015). Collection method: clinical testing. Allele origin: germline.
Comment: This sequence change replaces isoleucine, which is neutral and non-polar, with valine, which is neutral and non-polar, at codon 289 of the C2 protein (p.Ile289Val). This variant is not present in population databases (gnomAD no frequency). This variant has not been reported in the literature in individuals affected with C2-related conditions. An algorithm developed to predict the effect of missense changes on protein structure and function (PolyPhen-2) suggests that this variant is likely to be tolerated. In summary, the available evidence is currently insufficient to determine the role of this variant in disease. Therefore, it has been classified as a Variant of Uncertain Significance.